The following is an entry in ClinVar:

ClinVar aggregate classification (germline): Benign (0 of 4 stars; one submission).

Conditions:
AGTPBP1-related disorder. Also called: AGTPBP1-related condition.

Allele frequency attached by ClinVar (database versions not stated): gnomAD exomes 0.00113; ExAC 0.00391; gnomAD 0.01054; TOPMed 0.01189; ESP Exome Variant Server 0.01253; 1000 Genomes Project 0.01298; 1000 Genomes Project 30x 0.01546.
gnomAD v4.1: 3,313 of 1,606,766 alleles (0.21%); highest among the groups gnomAD compares: African/African-American, 3.6%; 60 homozygotes.

Submission:

PreventionGenetics, part of Exact Sciences
Classification: Benign for AGTPBP1-related condition. Last evaluated: 2019-07-15. Review status: no assertion criteria provided. Collection method: clinical testing. Allele origin: germline.
Comment: This variant is classified as benign based on ACMG/AMP sequence variant interpretation guidelines (Richards et al. 2015 PMID: 25741868, with internal and published modifications).

NM_001330701.2(AGTPBP1):c.393A>G (p.Leu131=)

Gene: AGTPBP1 (ATP/GTP binding carboxypeptidase 1; minus strand). Cytogenetic location: 9q21.33.
Variant type: single nucleotide variant.
Coding change: c.393A>G on transcript NM_001330701.2 (MANE Select); coding-DNA position 393, A replaced by G.
Protein change: p.Leu131=; no amino-acid change (leucine 131 retained).
Molecular consequence: synonymous variant.
Genome position (GRCh38, 1-based): chr9:85,677,479, T>C on the plus strand (A>G on the coding strand, the complement: AGTPBP1 is on the minus strand). VCF-style: chr9-85677479-T-C. GRCh37 (hg19) VCF-style: chr9-88292394-T-C.
Other names: c.549A>G, p.Leu183= (NM_001286715.1, NM_001286717.1); c.393A>G, p.Leu131= (NM_015239.3).
Identifiers: ClinVar variation 3056639 (VCV003056639.2), dbSNP rs61447666, ClinGen allele CA5106818.